The following is an entry in ClinVar:

ClinVar aggregate classification (germline): Conflicting classifications of pathogenicity. Review status: criteria provided, conflicting classifications (1 of 4 stars). 7 submissions from 7 submitters: Likely pathogenic (1); Uncertain significance (3); Likely benign (1). 2 of the submissions do not count toward it. Last evaluated 2026-06-01.

Conditions:
COL2A1-related disorder. Also called: COL2A1-related condition; COL2A1-related disorders.
Spondyloperipheral dysplasia. Also called: SPONDYLOPERIPHERAL DYSPLASIA WITH SHORT ULNA; Spondyloperipheral dysplasia-short ulna syndrome. Identifiers: Orphanet 1856, MedGen C0796173, MONDO:0010078, OMIM 271700.
Spondyloepiphyseal dysplasia congenita (SEDC). Also called: SED CONGENITA; SPONDYLOEPIPHYSEAL DYSPLASIA, CONGENITAL TYPE. Identifiers: Orphanet 94068, MedGen C2745959, MONDO:0008471, OMIM 183900.

Allele frequency attached by ClinVar (database versions not stated): gnomAD exomes 0.00008; gnomAD 0.00005; TOPMed 0.00009.
gnomAD v4.1: 71 of 1,614,060 alleles (0.0044%); highest among the groups gnomAD compares: Admixed American, 0.01%; no homozygotes.

Submissions (7):

CeGaT Center for Human Genetics Tuebingen
Classification: Likely benign. Last evaluated: 2026-06-01. Review status: criteria provided, single submitter. Criteria: CeGaT Center For Human Genetics Tuebingen Variant Classification Criteria Version 2. Collection method: clinical testing. Allele origin: germline. Affected: yes. Observed: 1 variant allele.
Comment: COL2A1: BP4

Labcorp Genetics (formerly Invitae), Labcorp
Classification: Uncertain significance. Last evaluated: 2025-12-15. Review status: criteria provided, single submitter. Criteria: Invitae Variant Classification Sherloc (09022015). Collection method: clinical testing. Allele origin: germline.
Comment: This sequence change replaces threonine, which is neutral and polar, with methionine, which is neutral and non-polar, at codon 1439 of the COL2A1 protein (p.Thr1439Met). This variant is present in population databases (rs121912886, gnomAD 0.06%). This missense change has been observed in individual(s) with retinitis pigmentosa and/or spondyloepiphyseal dysplasia congenita (PMID: 11746045, 32381255). It has also been observed to segregate with disease in related individuals. This variant is also known as T1370M. ClinVar contains an entry for this variant (Variation ID: 17385). Experimental studies and prediction algorithms are not available or were not evaluated, and the functional significance of this variant is currently unknown. In summary, the available evidence is currently insufficient to determine the role of this variant in disease. Therefore, it has been classified as a Variant of Uncertain Significance.

Blueprint Genetics
Classification: Uncertain significance. Last evaluated: 2024-03-13. Review status: criteria provided, single submitter. Criteria: ACMG Guidelines, 2015. Collection method: clinical testing. Allele origin: germline.

Genomic Research Center, Shahid Beheshti University of Medical Sciences
Classification: Uncertain significance for Spondyloepiphyseal dysplasia. Last evaluated: 2019-01-01. Review status: criteria provided, single submitter. Criteria: ACMG Guidelines, 2015. Collection method: clinical testing. Allele origin: unknown. Affected: yes. Observed: 1 variant allele.

Laboratory for Molecular Medicine, Mass General Brigham Personalized Medicine
Classification: Likely pathogenic for Spondyloperipheral dysplasia. Last evaluated: 2014-09-15. Review status: criteria provided, single submitter. Criteria: LMM Criteria. Collection method: clinical testing. Allele origin: germline. Inheritance: Autosomal dominant inheritance. Observed: 1 variant allele. Study: CSER-MedSeq.
Comment: The Thr1439Met variant in COL2A1 has been reported as de novo in one individual with spondyloepiphyseal dysplasia congenita and was shown to segregate with disease in 2 affected sons* (Unger 2001). This variant was not identified in large population studies. Computational analyses (biochemical amino acid properties, conservation, PolyPhen2, and SIFT) suggest that the Thr1439Met variant may impact the protein, though this information is not predictive enough to determine pathogenicity. In addition, this variant is located near the 5' splice region. Computational tools do not suggest an impact to splicing, though this information is not predictive enough to rule out pathogenicity. In summary, although additional studies are required to fully establish its clinical significance, the Thr1439Met variant is likely pathogenic for spondyloepiphyseal dysplasia congenita in an autosomal dominant manner.

PreventionGenetics, part of Exact Sciences
Classification: Uncertain significance for COL2A1-related condition. Last evaluated: 2024-03-15. Review status: no assertion criteria provided. Collection method: clinical testing. Allele origin: germline. Not counted in ClinVar's aggregate classification.
Comment: The COL2A1 c.4316C>T variant is predicted to result in the amino acid substitution p.Thr1439Met. This variant, also described as p.Thr1370Met, was reported to be de novo in an in an individual with spondyloepiphyseal dysplasia congenita; however, parentage is not known to have been confirmed (Unger et al. 2001. PubMed ID: 11746045). In this family, the variant segregate with disease among two offspring of the proband, one of which was affected by a second skeletal dysplasia. This variant was also found in an individual with Kneist dysplasia (Table 1, Barat-Houari et al. 2015. PubMed ID: 26626311) and in an individual with atypical Stickler syndrome and retinitis pigmentosa (Breazzano et al. 2020. PubMed ID: 32381255). This variant is reported in 0.058% of alleles in individuals of Ashkenazi Jewish descent in gnomAD, which is more common than expected for a primary cause of disease. At this time, the clinical significance of this variant is uncertain due to the absence of conclusive functional and genetic evidence.

OMIM
Classification: Pathogenic for SPONDYLOEPIPHYSEAL DYSPLASIA CONGENITA. Last evaluated: 2001-11-22. Review status: no assertion criteria provided. Collection method: literature only. Allele origin: germline. Not counted in ClinVar's aggregate classification.

Literature cited by the submitters: PubMed 11746045 (cited by 3 submitters); PubMed 32381255 (cited by Labcorp Genetics (formerly Invitae), Labcorp).

NM_001844.5(COL2A1):c.4316C>T (p.Thr1439Met)

Gene: COL2A1 (collagen type II alpha 1 chain; minus strand). Cytogenetic location: 12q13.11.
Variant type: single nucleotide variant.
Coding change: c.4316C>T on transcript NM_001844.5 (MANE Select); coding-DNA position 4316, C replaced by T.
Protein change: p.Thr1439Met; replaces threonine 1439 with methionine.
Molecular consequence: missense variant.
Genome position (GRCh38, 1-based): chr12:47,974,090, G>A on the plus strand (C>T on the coding strand, the complement: COL2A1 is on the minus strand). VCF-style: chr12-47974090-G-A. GRCh37 (hg19) VCF-style: chr12-48367873-G-A.
Other names: c.4109C>T, p.Thr1370Met (NM_033150.3); short protein forms T1370M, T1439M.
Identifiers: ClinVar variation 17385 (VCV000017385.18), dbSNP rs121912886, ClinGen allele CA204551.